The following is an entry in ClinVar:

ClinVar aggregate classification (germline): Uncertain significance (1 of 4 stars; one submission).

Conditions:
Neuronal ceroid lipofuscinosis. Also called: Neuronal Ceroid Lipofuscinoses. Identifiers: Orphanet 216, Orphanet 79263, MedGen C0027877, MONDO:0016295. Disease mechanism: loss of function.

Allele frequency attached by ClinVar (database versions not stated): gnomAD exomes below 0.00001; TOPMed below 0.00001.
gnomAD v4.1: 1 of 1,605,796 alleles (0.000062%); highest among the groups gnomAD compares: Non-Finnish European, 0.000085%; no homozygotes.

Submission:

Labcorp Genetics (formerly Invitae), Labcorp
Classification: Uncertain significance for Neuronal ceroid lipofuscinosis. Last evaluated: 2022-09-01. Review status: criteria provided, single submitter. Criteria: Invitae Variant Classification Sherloc (09022015). Collection method: clinical testing. Allele origin: germline.
Comment: This sequence change replaces glycine, which is neutral and non-polar, with glutamic acid, which is acidic and polar, at codon 71 of the CLN5 protein (p.Gly71Glu). In summary, the available evidence is currently insufficient to determine the role of this variant in disease. Therefore, it has been classified as a Variant of Uncertain Significance. Algorithms developed to predict the effect of missense changes on protein structure and function output the following: SIFT: "Tolerated"; PolyPhen-2: "Probably Damaging"; Align-GVGD: "Class C0". The glutamic acid amino acid residue is found in multiple mammalian species, which suggests that this missense change does not adversely affect protein function. ClinVar contains an entry for this variant (Variation ID: 1418434). This variant has not been reported in the literature in individuals affected with CLN5-related conditions. This variant is not present in population databases (gnomAD no frequency).

NM_006493.4(CLN5):c.65G>A (p.Gly22Glu)

Genes: CLN5 (CLN5 lysosomal BMP synthase; plus strand), LOC130009913 (ATAC-STARR-seq lymphoblastoid silent region 5414; plus strand). Cytogenetic location: 13q22.3.
Variant type: single nucleotide variant.
Coding change: c.65G>A on transcript NM_006493.4 (MANE Select); coding-DNA position 65, G replaced by A.
Protein change: p.Gly22Glu; replaces glycine 22 with glutamic acid.
Molecular consequence: missense variant.
Genome position (GRCh38, 1-based): chr13:76,992,163, G>A. VCF-style: chr13-76992163-G-A. GRCh37 (hg19) VCF-style: chr13-77566298-G-A.
Other names: c.65G>A, p.Gly22Glu (NM_001366624.2); short protein forms G22E.
Identifiers: ClinVar variation 1418434 (VCV001418434.8), dbSNP rs2034188434, ClinGen allele CA388306445.